The following is an entry in ClinVar:

ClinVar aggregate classification (germline): Uncertain significance (1 of 4 stars; one submission).

Conditions:
Familial adenomatous polyposis 1 (FAP1). Also called: FAMILIAL ADENOMATOUS POLYPOSIS 1, ATTENUATED; POLYPOSIS, ADENOMATOUS INTESTINAL. Identifiers: MedGen C2713442, MONDO:0021056, OMIM 175100. Disease mechanism: loss of function.

Submission:

Labcorp Genetics (formerly Invitae), Labcorp
Classification: Uncertain significance for Familial adenomatous polyposis 1. Last evaluated: 2023-07-30. Review status: criteria provided, single submitter. Criteria: Invitae Variant Classification Sherloc (09022015). Collection method: clinical testing. Allele origin: germline.
Comment: In summary, the available evidence is currently insufficient to determine the role of this variant in disease. Therefore, it has been classified as a Variant of Uncertain Significance. Experimental studies and prediction algorithms are not available or were not evaluated, and the functional significance of this variant is currently unknown. This variant has not been reported in the literature in individuals affected with APC-related conditions. This variant is not present in population databases (gnomAD no frequency). This variant occurs in a non-coding region of the APC gene. It does not change the encoded amino acid sequence of the APC protein.

NC_000005.10:g.112707415C>A

Gene: APC (APC regulator of Wnt signaling pathway; plus strand). Cytogenetic location: 5q22.2.
Variant type: single nucleotide variant.
Genome position: GRCh38 VCF-style: chr5-112707415-C-A. GRCh37 (hg19) VCF-style: chr5-112043112-C-A.
Identifiers: ClinVar variation 1390974 (VCV001390974.6), dbSNP rs1580995550, ClinGen allele CA2573138754.
Genomic context (GRCh38, chr5:112,707,415, plus strand): 5'-ACTCGGCTGCCTAGGCAGCAATGGCTCACGGGACAGAACAGCGAAGCAGTGCCCGGCAAG[C>A]GGAGCGCAGCACCCATTGCGCCTGCGCATAACAGGCTCTAGTCTCCGGGCTGTGGGAAGC-3'